The following is an entry in ClinVar:

NM_138576.4(BCL11B):c.1535_1536del (p.Ala512fs)

Gene: BCL11B (BCL11 transcription factor B; minus strand). Cytogenetic location: 14q32.2.
Variant type: Deletion.
Coding change: c.1535_1536del on transcript NM_138576.4 (MANE Select); coding-DNA positions 1535 to 1536, 2 bases deleted (CG; older notation c.1535_1536delCG).
Protein change: p.Ala512fs; shifts the reading frame from alanine 512.
Molecular consequence: frameshift variant.
Genome position (GRCh38, 1-based): chr14:99,175,300-99,175,301, CG deleted on the plus strand (CG on the coding strand, the reverse complement: BCL11B is on the minus strand); deleting any 2 consecutive bases within chr14:99,175,300-99,175,302 gives the same sequence; the c. name uses the placement nearest the transcript's 3' end. VCF-style (leftmost placement, unchanged base first): chr14-99175299-CCG-C. GRCh37 (hg19) VCF-style: chr14-99641636-CCG-C.
Other names: NM_022898.3:c.1322_1323del; c.1532_1533del, p.Ala511fs (NM_001282237.2); c.1319_1320del, p.Ala440fs (NM_001282238.2); c.1322_1323del, p.Ala441fs (NM_022898.3); short protein forms A440fs, A441fs, A511fs, A512fs.
Identifiers: ClinVar variation 1703240 (VCV001703240.1), dbSNP rs2503645451, ClinGen allele CA2573106061.

ClinVar aggregate classification (germline): Likely pathogenic (1 of 4 stars; one submission).

Conditions:
Intellectual developmental disorder with speech delay, dysmorphic facies, and t-cell abnormalities. Also called: BCL11B-related BAFopathy. Identifiers: Orphanet 662829, MedGen C4748152, MONDO:0060763, OMIM 618092.

Submission:

Broad Center for Mendelian Genomics, Broad Institute of MIT and Harvard
Classification: Likely pathogenic for Intellectual developmental disorder with speech delay, dysmorphic facies, and t-cell abnormalities. Last evaluated: 2022-08-25. Review status: criteria provided, single submitter. Criteria: ACMG Guidelines, 2015. Collection method: curation. Allele origin: germline. Inheritance: Autosomal dominant inheritance. Affected: yes.
Comment: Trio exome analysis showed this variant to be de novo. The p.Ala512fs variant in BCL11B has not been previously reported in individuals with intellectual developmental disorder and was absent from large population studies. This variant is predicted to cause a frameshift, which alters the protein’s amino acid sequence beginning at position 512 and leads to a premature termination codon 4 amino acids downstream. This alteration occurs within the last exon and is more likely to escape nonsense mediated decay (NMD) and result in a truncated protein. However, this variant removes >40% of the normal protein sequence and is therefore likely to disrupt protein function. Heterozygous loss of function of the BCL11B gene is an established disease mechanism in intellectual developmental disorder. In summary, although additional studies are required to fully establish its clinical significance, this variant is likely pathogenic for autosomal dominant neurodevelopmental disorder. ACMG/AMP Criteria applied: PVS1_strong, PS2_supporting, PM2_supporting (Richards 2015).